The following is an entry in ClinVar:

NM_005477.3(HCN4):c.1004T>G (p.Met335Arg)

Genes: HCN4 (hyperpolarization activated cyclic nucleotide gated potassium channel 4; minus strand), LOC105370890 (uncharacterized LOC105370890; plus strand), LOC126862173 (CDK7 strongly-dependent group 2 enhancer GRCh37_chr15:73635762-73636961; plus strand). Cytogenetic location: 15q24.1.
Variant type: single nucleotide variant.
Coding change: c.1004T>G on transcript NM_005477.3 (MANE Select); coding-DNA position 1004, T replaced by G.
Protein change: p.Met335Arg; replaces methionine 335 with arginine.
Molecular consequence: missense variant.
Genome position (GRCh38, 1-based): chr15:73,343,590, A>C on the plus strand (T>G on the coding strand, the complement: HCN4 is on the minus strand). VCF-style: chr15-73343590-A-C. GRCh37 (hg19) VCF-style: chr15-73635931-A-C.
Other names: short protein forms M335R.
Identifiers: ClinVar variation 1779501 (VCV001779501.6), dbSNP rs906382393, ClinGen allele CA272684521.

ClinVar aggregate classification (germline): Uncertain significance. Review status: criteria provided, multiple submitters, no conflicts (2 of 4 stars). 3 submissions from 3 submitters: Uncertain significance (3). Last evaluated 2025-12-19.

Conditions:
Cardiovascular phenotype. Identifiers: MedGen CN230736.
Brugada syndrome 8 (BRGDA8). Identifiers: Orphanet 130, MedGen C2751083, MONDO:0013148, OMIM 613123.

Allele frequency attached by ClinVar (database versions not stated): TOPMed 0.00001; gnomAD exomes below 0.00001; gnomAD 0.00001.
gnomAD v4.1: 3 of 1,614,014 alleles (0.00019%); highest among the groups gnomAD compares: African/African-American, 0.004%; no homozygotes.

Submissions (3):

Labcorp Genetics (formerly Invitae), Labcorp
Classification: Uncertain significance for Brugada syndrome 8. Last evaluated: 2025-12-19. Review status: criteria provided, single submitter. Criteria: Invitae Variant Classification Sherloc (09022015). Collection method: clinical testing. Allele origin: germline.
Comment: This sequence change replaces methionine, which is neutral and non-polar, with arginine, which is basic and polar, at codon 335 of the HCN4 protein (p.Met335Arg). This variant is present in population databases (no rsID available, gnomAD 0.01%). This variant has not been reported in the literature in individuals affected with HCN4-related conditions. ClinVar contains an entry for this variant (Variation ID: 1779501). Invitae Evidence Modeling of protein sequence and biophysical properties (such as structural, functional, and spatial information, amino acid conservation, physicochemical variation, residue mobility, and thermodynamic stability) indicates that this missense variant is not expected to disrupt HCN4 protein function with a negative predictive value of 95%. In summary, the available evidence is currently insufficient to determine the role of this variant in disease. Therefore, it has been classified as a Variant of Uncertain Significance.

GeneDx
Classification: Uncertain significance. Last evaluated: 2024-03-29. Review status: criteria provided, single submitter. Criteria: GeneDx Variant Classification Process June 2021. Collection method: clinical testing. Allele origin: germline. Affected: yes.
Comment: Has not been previously published as pathogenic or benign to our knowledge; Not observed at significant frequency in large population cohorts (gnomAD); In silico analysis supports that this missense variant does not alter protein structure/function

Ambry Genetics
Classification: Uncertain significance for Cardiovascular phenotype. Last evaluated: 2020-11-24. Review status: criteria provided, single submitter. Criteria: Ambry Variant Classification Scheme 2023. Collection method: clinical testing. Allele origin: germline.
Comment: The p.M335R variant (also known as c.1004T>G), located in coding exon 2 of the HCN4 gene, results from a T to G substitution at nucleotide position 1004. The methionine at codon 335 is replaced by arginine, an amino acid with similar properties. This missense alteration is located in a region that has a low rate of benign missense variation (Lek M et al. Nature. 2016 Aug 18;536(7616):285-91; DECIPHER: Database of Chromosomal Imbalance and Phenotype in Humans using Ensembl Resources. Firth H.V. et al. 2009. Am.J.Hum.Genet. 84, 524-533 (DOI)). This amino acid position is not well conserved in available vertebrate species. In addition, the in silico prediction for this alteration is inconclusive. Since supporting evidence is limited at this time, the clinical significance of this alteration remains unclear.